The following is an entry in ClinVar:

NM_012414.4(RAB3GAP2):c.343C>T (p.Gln115Ter)

Gene: RAB3GAP2 (RAB3 GTPase activating non-catalytic protein subunit 2; minus strand). Cytogenetic location: 1q41.
Variant type: single nucleotide variant.
Coding change: c.343C>T on transcript NM_012414.4 (MANE Select); coding-DNA position 343, C replaced by T.
Protein change: p.Gln115Ter; replaces glutamine 115 with a stop codon.
Molecular consequence: nonsense.
Genome position (GRCh38, 1-based): chr1:220,212,930, G>A on the plus strand (C>T on the coding strand, the complement: RAB3GAP2 is on the minus strand). VCF-style: chr1-220212930-G-A. GRCh37 (hg19) VCF-style: chr1-220386272-G-A.
Other names: short protein forms Q115*.
Identifiers: ClinVar variation 5006131 (VCV005006131.2).

ClinVar aggregate classification (germline): Likely pathogenic (1 of 4 stars; one submission).

Conditions:
Martsolf syndrome 1. Identifiers: Orphanet 1387, MedGen C5542298, MONDO:8000008, OMIM 212720.
Warburg micro syndrome 2 (WARBM2). Also called: MICRO SYNDROME 2. Identifiers: Orphanet 2510, MedGen C3280214, MONDO:0013641, OMIM 614225.

Submission:

Juno Genomics, Hangzhou Juno Genomics, Inc
Classification: Likely pathogenic for Warburg micro syndrome 2; Martsolf syndrome 1. Review status: criteria provided, single submitter. Criteria: ACMG Guidelines, 2015. Collection method: clinical testing. Allele origin: germline.
Comment: Null variant in a gene where loss of function (LOF) is a known mechanism of disease.;Absent from controls (or at extremely low frequency if recessive) in Genome Aggregation Database.